The following is an entry in ClinVar:

ClinVar aggregate classification (germline): Benign/Likely benign. Review status: criteria provided, multiple submitters, no conflicts (2 of 4 stars). 3 submissions from 3 submitters: Benign (1); Likely benign (2). Last evaluated 2025-08-23.

Conditions:
Hereditary cancer-predisposing syndrome. Also called: Hereditary Cancer Syndrome; Neoplastic Syndromes, Hereditary; Hereditary neoplastic syndrome; Tumor predisposition. Identifiers: Orphanet 140162, MedGen C0027672, MeSH D009386, MONDO:0015356.
Familial adenomatous polyposis 1 (FAP1). Also called: FAMILIAL ADENOMATOUS POLYPOSIS 1, ATTENUATED; POLYPOSIS, ADENOMATOUS INTESTINAL. Identifiers: MedGen C2713442, MONDO:0021056, OMIM 175100. Disease mechanism: loss of function.

gnomAD v4.1: 1 of 1,614,158 alleles (0.000062%); highest among the groups gnomAD compares: African/African-American, 0.0013%; no homozygotes.

Submissions (3):

Ambry Genetics
Classification: Likely benign for Hereditary cancer-predisposing syndrome. Last evaluated: 2025-08-23. Review status: criteria provided, single submitter. Criteria: Ambry Variant Classification Scheme 2023. Collection method: clinical testing. Allele origin: germline.

Labcorp Genetics (formerly Invitae), Labcorp
Classification: Likely benign for Familial adenomatous polyposis 1. Last evaluated: 2024-10-31. Review status: criteria provided, single submitter. Criteria: Invitae Variant Classification Sherloc (09022015). Collection method: clinical testing. Allele origin: germline.

Myriad Genetics, Inc.
Classification: Benign for Familial adenomatous polyposis 1. Last evaluated: 2024-03-28. Review status: criteria provided, single submitter. Criteria: Myriad Autosomal Dominant, Autosomal Recessive and X-Linked Classification Criteria (2023). Collection method: clinical testing. Allele origin: unknown.
Comment: This variant is considered benign. This variant is a silent/synonymous amino acid change and it is not expected to impact splicing.

NM_000038.6(APC):c.4869G>A (p.Arg1623=)

Gene: APC (APC regulator of Wnt signaling pathway; plus strand). Cytogenetic location: 5q22.2.
Variant type: single nucleotide variant.
Coding change: c.4869G>A on transcript NM_000038.6 (MANE Select); coding-DNA position 4869, G replaced by A.
Protein change: p.Arg1623=; no amino-acid change (arginine 1623 retained).
Molecular consequence: synonymous variant.
Genome position (GRCh38, 1-based): chr5:112,840,463, G>A. VCF-style: chr5-112840463-G-A. GRCh37 (hg19) VCF-style: chr5-112176160-G-A.
Other names: c.4869G>A, p.Arg1623= (NM_001127510.3, NM_001354895.2); c.4815G>A, p.Arg1605= (NM_001127511.3); c.4923G>A, p.Arg1641= (NM_001354896.2); c.4899G>A, p.Arg1633= (NM_001354897.2); c.4794G>A, p.Arg1598= (NM_001354898.2); c.4785G>A, p.Arg1595= (NM_001354899.2); c.4746G>A, p.Arg1582= (NM_001354900.2); c.4692G>A, p.Arg1564= (NM_001354901.2); and 6 more.
Identifiers: ClinVar variation 1142849 (VCV001142849.12), dbSNP rs2149925981, ClinGen allele CA446208098.